The following is an entry in ClinVar:

ClinVar aggregate classification (germline): Uncertain significance. Review status: criteria provided, multiple submitters, no conflicts (2 of 4 stars). 2 submissions from 2 submitters: Uncertain significance (2). Last evaluated 2021-04-18.

Allele frequency attached by ClinVar (database versions not stated): 1000 Genomes Project 0.00020; 1000 Genomes Project 30x 0.00031; gnomAD exomes below 0.00001; ExAC 0.00001; gnomAD 0.00005 and 0.00006; TOPMed 0.00009; ESP Exome Variant Server 0.00015.
gnomAD v4.1: 14 of 1,604,530 alleles (0.00087%); highest among the groups gnomAD compares: African/African-American, 0.019%; no homozygotes.

Submissions (2):

Labcorp Genetics (formerly Invitae), Labcorp
Classification: Uncertain significance. Last evaluated: 2021-04-18. Review status: criteria provided, single submitter. Criteria: Invitae Variant Classification Sherloc (09022015). Collection method: clinical testing. Allele origin: germline.
Comment: This variant is present in population databases (rs140231146, ExAC 0.01%). This variant has not been reported in the literature in individuals with ASPM-related conditions. Algorithms developed to predict the effect of sequence changes on RNA splicing suggest that this variant is not likely to affect RNA splicing, but this prediction has not been confirmed by published transcriptional studies. In summary, the available evidence is currently insufficient to determine the role of this variant in disease. Therefore, it has been classified as a Variant of Uncertain Significance. This sequence change affects codon 3444 of the ASPM mRNA. It is a 'silent' change, meaning that it does not change the encoded amino acid sequence of the ASPM protein. It affects a nucleotide within the consensus splice site of the intron.

Breakthrough Genomics
Classification: Uncertain significance. Review status: criteria provided, single submitter. Criteria: ACMG Guidelines, 2015. Collection method: not provided. Allele origin: germline. Inheritance: Autosomal recessive inheritance. Affected: yes.

NM_018136.5(ASPM):c.10330A>C (p.Arg3444=)

Gene: ASPM (assembly factor for spindle microtubules; minus strand). Cytogenetic location: 1q31.3.
Variant type: single nucleotide variant.
Coding change: c.10330A>C on transcript NM_018136.5 (MANE Select); coding-DNA position 10330, A replaced by C.
Protein change: p.Arg3444=; no amino-acid change (arginine 3444 retained).
Molecular consequence: synonymous variant.
Genome position (GRCh38, 1-based): chr1:197,086,804, T>G on the plus strand (A>C on the coding strand, the complement: ASPM is on the minus strand). VCF-style: chr1-197086804-T-G. GRCh37 (hg19) VCF-style: chr1-197055934-T-G.
Other names: c.5575A>C, p.Arg1859= (NM_001206846.2).
Identifiers: ClinVar variation 1521896 (VCV001521896.8), dbSNP rs140231146, ClinGen allele CA1308747.